The following is an entry in ClinVar:

ClinVar aggregate classification (germline): Uncertain significance. Review status: criteria provided, multiple submitters, no conflicts (2 of 4 stars). 3 submissions from 3 submitters: Uncertain significance (3). Last evaluated 2025-08-31.

Conditions:
Inborn genetic diseases. Identifiers: MedGen C0950123, MeSH D030342.
Nephrotic syndrome, type 3 (NPHS3). Also called: NEPHROTIC SYNDROME, EARLY-ONSET, TYPE 3. Identifiers: Orphanet 656, MedGen C1853124, MONDO:0012546, OMIM 610725.

gnomAD v4.1: 9 of 1,613,998 alleles (0.00056%); highest among the groups gnomAD compares: African/African-American, 0.012%; no homozygotes.

Submissions (3):

Ambry Genetics
Classification: Uncertain significance for Inborn genetic diseases. Last evaluated: 2025-08-31. Review status: criteria provided, single submitter. Criteria: Ambry Variant Classification Scheme 2023. Collection method: clinical testing. Allele origin: germline.

Labcorp Genetics (formerly Invitae), Labcorp
Classification: Uncertain significance. Last evaluated: 2025-06-12. Review status: criteria provided, single submitter. Criteria: Invitae Variant Classification Sherloc (09022015). Collection method: clinical testing. Allele origin: germline.
Comment: This sequence change replaces threonine, which is neutral and polar, with serine, which is neutral and polar, at codon 2036 of the PLCE1 protein (p.Thr2036Ser). This variant is present in population databases (rs370404700, gnomAD 0.007%). This variant has not been reported in the literature in individuals affected with PLCE1-related conditions. ClinVar contains an entry for this variant (Variation ID: 3598719). Invitae Evidence Modeling of protein sequence and biophysical properties (such as structural, functional, and spatial information, amino acid conservation, physicochemical variation, residue mobility, and thermodynamic stability) indicates that this missense variant is not expected to disrupt PLCE1 protein function with a negative predictive value of 80%. In summary, the available evidence is currently insufficient to determine the role of this variant in disease. Therefore, it has been classified as a Variant of Uncertain Significance.

Fulgent Genetics
Classification: Uncertain significance for Nephrotic syndrome, type 3. Last evaluated: 2024-03-28. Review status: criteria provided, single submitter. Criteria: ACMG Guidelines, 2015. Collection method: clinical testing. Allele origin: germline.

NM_016341.4(PLCE1):c.6107C>G (p.Thr2036Ser)

Gene: PLCE1 (phospholipase C epsilon 1; plus strand). Cytogenetic location: 10q23.33.
Variant type: single nucleotide variant.
Coding change: c.6107C>G on transcript NM_016341.4 (MANE Select); coding-DNA position 6107, C replaced by G.
Protein change: p.Thr2036Ser; replaces threonine 2036 with serine.
Molecular consequence: missense variant.
Genome position (GRCh38, 1-based): chr10:94,313,357, C>G. VCF-style: chr10-94313357-C-G. GRCh37 (hg19) VCF-style: chr10-96073114-C-G.
Other names: c.6107C>G (NM_016341.3); c.5183C>G, p.Thr1728Ser (NM_001165979.2); c.6059C>G, p.Thr2020Ser (NM_001288989.2); short protein forms T1728S, T2036S, T2020S.
Identifiers: ClinVar variation 3598719 (VCV003598719.4).
Genomic context (GRCh38, chr10:94,313,357, plus strand): 5'-TCACGGTGCATGGGGTCCCAGGGCCAGAGCCCTTTACCGTTTTCACTATTAATGGAGGCA[C>G]CAAGGCAAAGCAGCTTCTGCAGCAAGTAAGTCCACTGAGCCGTGGTTGGGAGAATCCAAA-3'
Protein context (NP_057425.3, residues 2026-2046): PFTVFTINGG[Thr2036Ser]KAKQLLQQIL